The following is an entry in ClinVar:

NM_024642.5(GALNT12):c.731+4C>T

Gene: GALNT12 (polypeptide N-acetylgalactosaminyltransferase 12; plus strand). Cytogenetic location: 9q22.33.
Variant type: single nucleotide variant.
Coding change: c.731+4C>T on transcript NM_024642.5 (MANE Select); 4 bases into the intron after coding-DNA position 731, C replaced by T.
Molecular consequence: intron variant.
Genome position (GRCh38, 1-based): chr9:98,826,945, C>T. VCF-style: chr9-98826945-C-T. GRCh37 (hg19) VCF-style: chr9-101589227-C-T.
Identifiers: ClinVar variation 658286 (VCV000658286.18), dbSNP rs756809019, ClinGen allele CA5154031.
Genomic context (GRCh38, chr9:98,826,945, plus strand): 5'-CTTCCTGGACTGTCACTGTGAGTGCCACGAAGGGTGGCTGGAGCCGCTGCTGCAGAGGTA[C>T]GTGAGCCGCCCACCATGGGAGAGACAGCATGTTACCTGGAGTAGGTAGCATGAGGAACAG-3'

ClinVar aggregate classification (germline): Conflicting classifications of pathogenicity. Review status: criteria provided, conflicting classifications (1 of 4 stars). 4 submissions from 4 submitters: Uncertain significance (2); Likely benign (1). 1 of the submissions does not count toward it. Last evaluated 2024-09-17.

Conditions:
GALNT12-related disorder. Also called: GALNT12-related condition.

Allele frequency attached by ClinVar (database versions not stated): gnomAD 0.00001 and 0.00002; gnomAD exomes 0.00001 and 0.00003; TOPMed 0.00001; ExAC 0.00004.
gnomAD v4.1: 45 of 1,555,386 alleles (0.0029%); highest among the groups gnomAD compares: Middle Eastern, 0.034%; no homozygotes.

Submissions (4):

Blueprint Genetics
Classification: Likely benign. Last evaluated: 2024-09-17. Review status: criteria provided, single submitter. Criteria: ACMG Guidelines, 2015. Collection method: clinical testing. Allele origin: germline.

Ambry Genetics
Classification: Uncertain significance. Last evaluated: 2023-08-25. Review status: criteria provided, single submitter. Criteria: Ambry Variant Classification Scheme 2023. Collection method: clinical testing. Allele origin: germline.
Comment: The c.731+4C>T intronic variant results from a C to T substitution 4 nucleotides after coding exon 3 in the GALNT12 gene. This nucleotide position is not well conserved in available vertebrate species. In silico splice site analysis predicts that this alteration will not have any significant effect on splicing. The evidence for this gene-disease relationship is limited; therefore, the clinical significance of this alteration is unclear.

Labcorp Genetics (formerly Invitae), Labcorp
Classification: Uncertain significance. Last evaluated: 2023-05-19. Review status: criteria provided, single submitter. Criteria: Invitae Variant Classification Sherloc (09022015). Collection method: clinical testing. Allele origin: germline.
Comment: This sequence change falls in intron 3 of the GALNT12 gene. It does not directly change the encoded amino acid sequence of the GALNT12 protein. It affects a nucleotide within the consensus splice site. In summary, the available evidence is currently insufficient to determine the role of this variant in disease. Therefore, it has been classified as a Variant of Uncertain Significance. Variants that disrupt the consensus splice site are a relatively common cause of aberrant splicing (PMID: 17576681, 9536098). Algorithms developed to predict the effect of sequence changes on RNA splicing suggest that this variant is not likely to affect RNA splicing. ClinVar contains an entry for this variant (Variation ID: 658286). This variant has not been reported in the literature in individuals affected with GALNT12-related conditions. The frequency data for this variant in the population databases is considered unreliable, as metrics indicate poor data quality at this position in the gnomAD database.

PreventionGenetics, part of Exact Sciences
Classification: Likely benign for GALNT12-related condition. Last evaluated: 2022-02-01. Review status: no assertion criteria provided. Collection method: clinical testing. Allele origin: germline. Not counted in ClinVar's aggregate classification.
Comment: This variant is classified as likely benign based on ACMG/AMP sequence variant interpretation guidelines (Richards et al. 2015 PMID: 25741868, with internal and published modifications).

Literature cited by the submitters: PubMed 17576681 (cited by Labcorp Genetics (formerly Invitae), Labcorp); PubMed 9536098 (cited by Labcorp Genetics (formerly Invitae), Labcorp).